The following is an entry in ClinVar:

ClinVar aggregate classification (germline): Uncertain significance (1 of 4 stars; one submission).

Conditions:
Glycogen storage disease type III (GSD3). Also called: Cori disease; FORBES DISEASE. Identifiers: Orphanet 366, MedGen C0017922, MONDO:0009291, OMIM 232400.

Submission:

Labcorp Genetics (formerly Invitae), Labcorp
Classification: Uncertain significance for Glycogen storage disease type III. Last evaluated: 2022-05-06. Review status: criteria provided, single submitter. Criteria: Invitae Variant Classification Sherloc (09022015). Collection method: clinical testing. Allele origin: germline.
Comment: This variant is not present in population databases (gnomAD no frequency). This variant has not been reported in the literature in individuals affected with AGL-related conditions. Algorithms developed to predict the effect of missense changes on protein structure and function output the following: SIFT: "Tolerated"; PolyPhen-2: "Benign"; Align-GVGD: "Class C0". The threonine amino acid residue is found in multiple mammalian species, which suggests that this missense change does not adversely affect protein function. In summary, the available evidence is currently insufficient to determine the role of this variant in disease. Therefore, it has been classified as a Variant of Uncertain Significance. This sequence change replaces isoleucine, which is neutral and non-polar, with threonine, which is neutral and polar, at codon 1144 of the AGL protein (p.Ile1144Thr).

NM_000642.3(AGL):c.3431T>C (p.Ile1144Thr)

Gene: AGL (amylo-alpha-1,6-glucosidase and 4-alpha-glucanotransferase; plus strand). Cytogenetic location: 1p21.2.
Variant type: single nucleotide variant.
Coding change: c.3431T>C on transcript NM_000642.3 (MANE Select); coding-DNA position 3431, T replaced by C.
Protein change: p.Ile1144Thr; replaces isoleucine 1144 with threonine.
Molecular consequence: missense variant.
Genome position (GRCh38, 1-based): chr1:99,900,704, T>C. VCF-style: chr1-99900704-T-C. GRCh37 (hg19) VCF-style: chr1-100366260-T-C.
Other names: c.3431T>C, p.Ile1144Thr (NM_001425325.1, NM_000028.3, NM_000643.3 and 1 more transcripts); c.3410T>C, p.Ile1137Thr (NM_001425326.1); c.3230T>C, p.Ile1077Thr (NM_001425327.1); c.3227T>C, p.Ile1076Thr (NM_001425328.1); c.3092T>C, p.Ile1031Thr (NM_001425329.1); c.3053T>C, p.Ile1018Thr (NM_001425332.1); c.3383T>C, p.Ile1128Thr (NM_000646.3); short protein forms I1144T, I1128T, I1018T, I1031T, I1076T, I1077T, I1137T.
Identifiers: ClinVar variation 2134737 (VCV002134737.4), dbSNP rs2230308, ClinGen allele CA27539282.